The following is an entry in ClinVar:

ClinVar aggregate classification (germline): Pathogenic (1 of 4 stars; one submission).

Conditions:
Hereditary cancer-predisposing syndrome. Also called: Neoplastic Syndromes, Hereditary; Tumor predisposition; Hereditary Cancer Syndrome; Hereditary neoplastic syndrome. Identifiers: Orphanet 140162, MedGen C0027672, MeSH D009386, MONDO:0015356.

Submission:

Ambry Genetics
Classification: Pathogenic for Hereditary cancer-predisposing syndrome. Last evaluated: 2015-09-01. Review status: criteria provided, single submitter. Criteria: Ambry Variant Classification Scheme 2023. Collection method: clinical testing. Allele origin: germline.
Comment: The p.Q69* pathogenic mutation (also known as c.205C>T), located in coding exon 3 of the ATM gene, results from a C to T substitution at nucleotide position 205. This changes the amino acid from a glutamine to a stop codon within coding exon 3. This alteration is expected to result in loss of function by premature protein truncation or nonsense-mediated mRNA decay. As such, this alteration is interpreted as a disease-causing mutation.

NM_000051.4(ATM):c.205C>T (p.Gln69Ter)

Gene: ATM (ATM serine/threonine kinase; plus strand). Cytogenetic location: 11q22.3.
Variant type: single nucleotide variant.
Coding change: c.205C>T on transcript NM_000051.4 (MANE Select); coding-DNA position 205, C replaced by T.
Protein change: p.Gln69Ter; replaces glutamine 69 with a stop codon.
Molecular consequence: nonsense.
Genome position (GRCh38, 1-based): chr11:108,229,197, C>T. VCF-style: chr11-108229197-C-T. GRCh37 (hg19) VCF-style: chr11-108099924-C-T.
Other names: c.205C>T, p.Gln69Ter (NM_001351834.2, NM_001351835.2, NM_001351836.2); short protein forms Q69*.
Identifiers: ClinVar variation 233772 (VCV000233772.5), dbSNP rs876660631, ClinGen allele CA10578950.